The following is an entry in ClinVar:

NM_000051.4(ATM):c.3537T>G (p.Ser1179=)

Gene: ATM (ATM serine/threonine kinase; plus strand). Cytogenetic location: 11q22.3.
Variant type: single nucleotide variant.
Coding change: c.3537T>G on transcript NM_000051.4 (MANE Select); coding-DNA position 3537, T replaced by G.
Protein change: p.Ser1179=; no amino-acid change (serine 1179 retained).
Molecular consequence: synonymous variant.
Genome position (GRCh38, 1-based): chr11:108,281,129, T>G. VCF-style: chr11-108281129-T-G. GRCh37 (hg19) VCF-style: chr11-108151856-T-G.
Other names: c.3537T>G, p.Ser1179= (NM_001351834.2).
Identifiers: ClinVar variation 1732417 (VCV001732417.3), dbSNP rs2135669542, ClinGen allele CA476672947.
Genomic context (GRCh38, chr11:108,281,129, plus strand): 5'-TGTGGTTTTATCCTGTAGCCCTATCTGCGAAAAACAGGCTTTGTTTGCCCTGTGTAAATC[T>G]GTGAAAGAGAATGGATTAGAACCTCACCTTGTGAAAAAGGTATATATGGATGAGTATTTT-3'
Protein context (NP_000042.3, residues 1169-1189): EKQALFALCK[Ser1179=]VKENGLEPHL

ClinVar aggregate classification (germline): Benign/Likely benign. Review status: criteria provided, multiple submitters, no conflicts (2 of 4 stars). 2 submissions from 2 submitters: Benign (1); Likely benign (1). Last evaluated 2024-05-14.

Conditions:
Hereditary cancer-predisposing syndrome. Also called: Neoplastic Syndromes, Hereditary; Tumor predisposition; Hereditary Cancer Syndrome; Hereditary neoplastic syndrome. Identifiers: Orphanet 140162, MedGen C0027672, MeSH D009386, MONDO:0015356.
Familial cancer of breast. Also called: BREAST CANCER, FAMILIAL; Hereditary breast cancer; hereditary breast carcinoma. Identifiers: Orphanet 227535, MedGen C0346153, MONDO:0016419, OMIM 114480. Disease mechanism: loss of function.

Submissions (2):

Myriad Genetics, Inc.
Classification: Benign for Familial cancer of breast. Last evaluated: 2024-05-14. Review status: criteria provided, single submitter. Criteria: Myriad Autosomal Dominant, Autosomal Recessive and X-Linked Classification Criteria (2023). Collection method: clinical testing. Allele origin: unknown.
Comment: This variant is considered benign. This variant is a silent/synonymous amino acid change and it is not expected to impact splicing.

Ambry Genetics
Classification: Likely benign for Hereditary cancer-predisposing syndrome. Last evaluated: 2021-10-11. Review status: criteria provided, single submitter. Criteria: Ambry Variant Classification Scheme 2023. Collection method: clinical testing. Allele origin: germline.